The following is an entry in ClinVar:

NM_000138.5(FBN1):c.2758G>A (p.Val920Met)

Gene: FBN1 (fibrillin 1; minus strand). Cytogenetic location: 15q21.1.
Variant type: single nucleotide variant.
Coding change: c.2758G>A on transcript NM_000138.5 (MANE Select); coding-DNA position 2758, G replaced by A.
Protein change: p.Val920Met; replaces valine 920 with methionine.
Molecular consequence: missense variant.
Genome position (GRCh38, 1-based): chr15:48,492,557, C>T on the plus strand (G>A on the coding strand, the complement: FBN1 is on the minus strand). VCF-style: chr15-48492557-C-T. GRCh37 (hg19) VCF-style: chr15-48784754-C-T.
Other names: c.2758G>A, p.Val920Met (NM_001406716.1); short protein forms V920M.
Identifiers: ClinVar variation 2929505 (VCV002929505.4), dbSNP rs2043569547, ClinGen allele CA392330802.
Genomic context (GRCh38, chr15:48,492,557, plus strand): 5'-CACTGGGACACTGACACTTGAATGACCCCCTAGTGTTAACACACAGGCCATTTTTACACA[C>T]TCCTGGGAACACTTCACATTCATCTATATCTAAAAAGAAAAAAAAAGTATAAAGTTAATA-3'
Protein context (NP_000129.3, residues 910-930): DIDECEVFPG[Val920Met]CKNGLCVNTR

ClinVar aggregate classification (germline): Uncertain significance. Review status: criteria provided, multiple submitters, no conflicts (2 of 4 stars). 2 submissions from 2 submitters: Uncertain significance (2). Last evaluated 2023-10-22.

Conditions:
Marfan syndrome (MFS). Also called: MARFAN SYNDROME, TYPE I; Marfan syndrome type 1; Marfan's syndrome; Marfan syndrome, classic; FBN1-Related Marfan Syndrome. Identifiers: Orphanet 284963, Orphanet 558, MedGen C0024796, MONDO:0007947, OMIM 154700.
Familial thoracic aortic aneurysm and aortic dissection (TAAD). Also called: Thoracic aortic aneurysms and dissections. Identifiers: Orphanet 91387, MedGen C4707243, MONDO:0019625.

gnomAD v4.1: 3 of 1,608,536 alleles (0.00019%); highest among the groups gnomAD compares: Non-Finnish European, 0.00026%; no homozygotes.

Submissions (2):

Labcorp Genetics (formerly Invitae), Labcorp
Classification: Uncertain significance for Marfan syndrome; Familial thoracic aortic aneurysm and aortic dissection. Last evaluated: 2023-10-22. Review status: criteria provided, single submitter. Criteria: Invitae Variant Classification Sherloc (09022015). Collection method: clinical testing. Allele origin: germline.
Comment: This sequence change replaces valine, which is neutral and non-polar, with methionine, which is neutral and non-polar, at codon 920 of the FBN1 protein (p.Val920Met). This variant is not present in population databases (gnomAD no frequency). This variant has not been reported in the literature in individuals affected with FBN1-related conditions. Advanced modeling of protein sequence and biophysical properties (such as structural, functional, and spatial information, amino acid conservation, physicochemical variation, residue mobility, and thermodynamic stability) has been performed at Invitae for this missense variant, however the output from this modeling did not meet the statistical confidence thresholds required to predict the impact of this variant on FBN1 protein function. In summary, the available evidence is currently insufficient to determine the role of this variant in disease. Therefore, it has been classified as a Variant of Uncertain Significance.

All of Us Research Program, National Institutes of Health
Classification: Uncertain significance for Marfan syndrome. Last evaluated: 2023-04-03. Review status: criteria provided, single submitter. Criteria: ACMG Guidelines, 2015. Collection method: clinical testing. Allele origin: germline. Inheritance: Autosomal dominant inheritance. Observed: 1 variant allele, 1 heterozygote.
Comment: This missense variant replaces valine with methionine at codon 920 of the FBN1 protein. Computational prediction is inconclusive regarding the impact of this variant on protein structure and function (internally defined REVEL score threshold 0.5 < inconclusive < 0.7, PMID: 27666373). To our knowledge, functional studies have not been reported for this variant. This variant has not been reported in individuals affected with FBN1-related disorders in the literature. This variant has not been identified in the general population by the Genome Aggregation Database (gnomAD). The available evidence is insufficient to determine the role of this variant in disease conclusively. Therefore, this variant is classified as a Variant of Uncertain Significance.

This study involves interpretation of variants in research participants for the purpose of population health screening. Participant phenotype was not available at the time of variant classification. Additional details can be found in publication PMID: 35346344, PMCID: PMC8962531